The following is an entry in ClinVar:

NM_007055.4(POLR3A):c.3874G>A (p.Asp1292Asn)

Gene: POLR3A (RNA polymerase III subunit A; minus strand). Cytogenetic location: 10q22.3.
Variant type: single nucleotide variant.
Coding change: c.3874G>A on transcript NM_007055.4 (MANE Select); coding-DNA position 3874, G replaced by A.
Protein change: p.Asp1292Asn; replaces aspartic acid 1292 with asparagine.
Molecular consequence: missense variant.
Genome position (GRCh38, 1-based): chr10:77,981,445, C>T on the plus strand (G>A on the coding strand, the complement: POLR3A is on the minus strand). VCF-style: chr10-77981445-C-T. GRCh37 (hg19) VCF-style: chr10-79741203-C-T.
Other names: NM_007055.4(POLR3A):c.3874G>A; p.Asp1292Asn; short protein forms D1292N.
Identifiers: ClinVar variation 549571 (VCV000549571.29), dbSNP rs757209071, ClinGen allele CA5570674.

ClinVar aggregate classification (germline): Conflicting classifications of pathogenicity. Review status: criteria provided, conflicting classifications (1 of 4 stars). 3 submissions from 3 submitters: Likely pathogenic (2); Uncertain significance (1). Last evaluated 2024-01-24.

Conditions:
Neonatal pseudo-hydrocephalic progeroid syndrome. Also called: Wiedemann-Rautenstrauch syndrome. Identifiers: Orphanet 3455, MedGen C0406586, MONDO:0009910, OMIM 264090.
POLR3A-related disorder. Also called: POLR3A-related disorders; POLR3A-related condition. Identifiers: MedGen CN378587, MONDO:0700276.
Leukodystrophy. Identifiers: Orphanet 68356, MedGen C0023520, MONDO:0019046, HP:0002415.

Allele frequency attached by ClinVar (database versions not stated): ExAC 0.00001; gnomAD 0.00001; gnomAD exomes 0.00001.
gnomAD v4.1: 15 of 1,613,934 alleles (0.00093%); highest among the groups gnomAD compares: East Asian, 0.0045%; no homozygotes.

Submissions (3):

Broad Center for Mendelian Genomics, Broad Institute of MIT and Harvard
Classification: Uncertain significance for Leukodystrophy. Last evaluated: 2024-01-24. Review status: criteria provided, single submitter. Criteria: ACMG Guidelines, 2015. Collection method: curation. Allele origin: germline. Inheritance: Autosomal recessive inheritance.
Comment: The p.Asp1292Asn variant in POLR3A has been reported in 1 individual with POLR3A-related disorders but has been identified in 0.005% (1/21636) of European (Finnish) chromosomes by the Genome Aggregation Database (gnomAD; dbSNP ID: rs757209071). Although this variant has been seen in the general population in a heterozygous state, its frequency is low enough to be consistent with a recessive carrier frequency. This variant has also been reported in ClinVar (Variation ID#: 549571) and has been interpreted as likely pathogenic by Tartaglia Lab (Genetics and Rare Diseases Research Division, Bambino Gesu' Children's Hospital). The p.Asp1292Asn variant is located in a region of POLR3A that is essential to protein folding and stability, suggesting that this variant is in a hot spot/functional domain and slightly supports pathogenicity (PMID: 30323018). In summary, while there is some suspicion for a pathogenic role, the clinical significance of this variant is uncertain. ACMG/AMP Criteria applied: PP3, PM1_supporting, PM2_supporting (Richards 2015).

Neurometabolic Diseases Laboratory, Bellvitge Biomedical Research Institute (IDIBELL)
Classification: Likely pathogenic for POLR3A-related disorders. Last evaluated: 2023-04-27. Review status: criteria provided, single submitter. Criteria: ACMG Guidelines, 2015. Collection method: research. Allele origin: germline. Affected: yes.

Tartaglia Lab, Genetics and Rare Diseases Research Division, Bambino Gesu' Children's Hospital
Classification: Likely pathogenic for Neonatal pseudo-hydrocephalic progeroid syndrome. Last evaluated: 2018-05-01. Review status: criteria provided, single submitter. Criteria: ACMG Guidelines, 2015. Collection method: research. Allele origin: germline. Affected: yes.